The following is an entry in ClinVar:

ClinVar aggregate classification (germline): Uncertain significance. Review status: criteria provided, single submitter (1 of 4 stars). 2 submissions from 2 submitters: Uncertain significance (1). 1 of the submissions does not count toward it. Last evaluated 2023-10-25.

Conditions:
CD96-related disorder. Also called: CD96-related condition.

Allele frequency attached by ClinVar (database versions not stated): gnomAD 0.00001; gnomAD exomes 0.00001; TOPMed 0.00002; ExAC 0.00004.

Submissions (2):

Ambry Genetics
Classification: Uncertain significance. Last evaluated: 2023-10-25. Review status: criteria provided, single submitter. Criteria: Ambry Variant Classification Scheme 2023. Collection method: clinical testing. Allele origin: germline.

PreventionGenetics, part of Exact Sciences
Classification: Likely benign for CD96-related condition. Last evaluated: 2023-02-08. Review status: no assertion criteria provided. Collection method: clinical testing. Allele origin: germline. Not counted in ClinVar's aggregate classification.
Comment: This variant is classified as likely benign based on ACMG/AMP sequence variant interpretation guidelines (Richards et al. 2015 PMID: 25741868, with internal and published modifications).

NM_005816.5(CD96):c.377G>A (p.Gly126Asp)

Gene: CD96 (CD96 molecule; plus strand). Cytogenetic location: 3q13.13.
Variant type: single nucleotide variant.
Coding change: c.377G>A on transcript NM_005816.5 (MANE Select); coding-DNA position 377, G replaced by A.
Protein change: p.Gly126Asp; replaces glycine 126 with aspartic acid.
Molecular consequence: missense variant. On other transcripts: non-coding transcript variant (1).
Genome position (GRCh38, 1-based): chr3:111,545,361, G>A. VCF-style: chr3-111545361-G-A. GRCh37 (hg19) VCF-style: chr3-111264208-G-A.
Other names: c.377G>A, p.Gly126Asp (NM_001318889.2, NM_001410800.1, NM_198196.3); short protein forms G126D.
Identifiers: ClinVar variation 3060763 (VCV003060763.3), dbSNP rs1170323393, ClinGen allele CA2534149.